The following is an entry in ClinVar:

NM_006302.3(MOGS):c.1445G>C (p.Gly482Ala)

Gene: MOGS (mannosyl-oligosaccharide glucosidase; minus strand). Cytogenetic location: 2p13.1.
Variant type: single nucleotide variant.
Coding change: c.1445G>C on transcript NM_006302.3 (MANE Select); coding-DNA position 1445, G replaced by C.
Protein change: p.Gly482Ala; replaces glycine 482 with alanine.
Molecular consequence: missense variant.
Genome position (GRCh38, 1-based): chr2:74,462,344, C>G on the plus strand (G>C on the coding strand, the complement: MOGS is on the minus strand). VCF-style: chr2-74462344-C-G. GRCh37 (hg19) VCF-style: chr2-74689471-C-G.
Other names: c.1127G>C, p.Gly376Ala (NM_001146158.2); short protein forms G376A, G482A.
Identifiers: ClinVar variation 2053436 (VCV002053436.4), dbSNP rs2103978804, ClinGen allele CA347372445.

ClinVar aggregate classification (germline): Uncertain significance (1 of 4 stars; one submission).

Conditions:
MOGS-congenital disorder of glycosylation. Also called: GLUCOSIDASE I DEFICIENCY; MOGS-CDG; CDG IIb; CDG 2B. Identifiers: Orphanet 79330, MedGen C1853736, MONDO:0011629, OMIM 606056.

Allele frequency attached by ClinVar (database versions not stated): gnomAD exomes below 0.00001.
gnomAD v4.1: 1 of 1,614,116 alleles (0.000062%); highest among the groups gnomAD compares: Non-Finnish European, 0.000085%; no homozygotes.

Submission:

Labcorp Genetics (formerly Invitae), Labcorp
Classification: Uncertain significance for MOGS-congenital disorder of glycosylation. Last evaluated: 2022-07-19. Review status: criteria provided, single submitter. Criteria: Invitae Variant Classification Sherloc (09022015). Collection method: clinical testing. Allele origin: germline.
Comment: In summary, the available evidence is currently insufficient to determine the role of this variant in disease. Therefore, it has been classified as a Variant of Uncertain Significance. Algorithms developed to predict the effect of missense changes on protein structure and function (SIFT, PolyPhen-2, Align-GVGD) all suggest that this variant is likely to be disruptive. This variant has not been reported in the literature in individuals affected with MOGS-related conditions. This variant is not present in population databases (gnomAD no frequency). This sequence change replaces glycine, which is neutral and non-polar, with alanine, which is neutral and non-polar, at codon 482 of the MOGS protein (p.Gly482Ala).